The following is an entry in ClinVar:

NM_003227.4(TFR2):c.2376G>A (p.Gly792=)

Gene: TFR2 (transferrin receptor 2; minus strand). Cytogenetic location: 7q22.1.
Variant type: single nucleotide variant.
Coding change: c.2376G>A on transcript NM_003227.4 (MANE Select); coding-DNA position 2376, G replaced by A.
Protein change: p.Gly792=; no amino-acid change (glycine 792 retained).
Molecular consequence: synonymous variant.
Genome position (GRCh38, 1-based): chr7:100,620,887, C>T on the plus strand (G>A on the coding strand, the complement: TFR2 is on the minus strand). VCF-style: chr7-100620887-C-T. GRCh37 (hg19) VCF-style: chr7-100218510-C-T.
Other names: c.1863G>A, p.Gly621= (NM_001206855.3); c.2376G>A (NM_003227.3).
Identifiers: ClinVar variation 1101648 (VCV001101648.11), dbSNP rs767243748, ClinGen allele CA4386141.

ClinVar aggregate classification (germline): Likely benign. Review status: criteria provided, single submitter (1 of 4 stars). 2 submissions from 2 submitters: Likely benign (1). 1 of the submissions does not count toward it. Last evaluated 2025-11-20.

Conditions:
Hereditary hemochromatosis (HFE). Identifiers: MedGen C0392514, MONDO:0006507. Disease mechanism: loss of function.
TFR2-related disorder. Also called: TFR2-related condition.

Allele frequency attached by ClinVar (database versions not stated): gnomAD exomes below 0.00001 and 0.00001; ExAC 0.00001; gnomAD 0.00002; TOPMed 0.00002.
gnomAD v4.1: 4 of 1,613,924 alleles (0.00025%); highest among the groups gnomAD compares: Admixed American, 0.0017%; no homozygotes.

Submissions (2):

Labcorp Genetics (formerly Invitae), Labcorp
Classification: Likely benign for Hereditary hemochromatosis. Last evaluated: 2025-11-20. Review status: criteria provided, single submitter. Criteria: Invitae Variant Classification Sherloc (09022015). Collection method: clinical testing. Allele origin: germline.

PreventionGenetics, part of Exact Sciences
Classification: Likely benign for TFR2-related condition. Last evaluated: 2019-02-27. Review status: no assertion criteria provided. Collection method: clinical testing. Allele origin: germline. Not counted in ClinVar's aggregate classification.
Comment: This variant is classified as likely benign based on ACMG/AMP sequence variant interpretation guidelines (Richards et al. 2015 PMID: 25741868, with internal and published modifications).